The following is an entry in ClinVar:

NM_000179.3(MSH6):c.2830A>T (p.Ile944Leu)

Gene: MSH6 (mutS homolog 6; plus strand). Cytogenetic location: 2p16.3.
Variant type: single nucleotide variant.
Coding change: c.2830A>T on transcript NM_000179.3 (MANE Select); coding-DNA position 2830, A replaced by T.
Protein change: p.Ile944Leu; replaces isoleucine 944 with leucine.
Molecular consequence: missense variant.
Genome position (GRCh38, 1-based): chr2:47,800,813, A>T. VCF-style: chr2-47800813-A-T. GRCh37 (hg19) VCF-style: chr2-48027952-A-T.
Other names: c.2440A>T, p.Ile814Leu (NM_001281492.2); c.1924A>T, p.Ile642Leu (NM_001281493.2, NM_001281494.2, NM_001406811.1 and 6 more transcripts); c.2926A>T, p.Ile976Leu (NM_001406795.1, NM_001406802.1); c.2830A>T, p.Ile944Leu (NM_001406796.1, NM_001406798.1, NM_001406800.1 and 2 more transcripts); c.2533A>T, p.Ile845Leu (NM_001406797.1, NM_001406801.1, NM_001406805.1 and 10 more transcripts); c.2305A>T, p.Ile769Leu (NM_001406799.1, NM_001406806.1, NM_001406807.1); c.2752A>T, p.Ile918Leu (NM_001406804.1); c.2836A>T, p.Ile946Leu (NM_001406813.1); and 2 more; short protein forms I642L, I944L, I769L, I918L, I814L, I888L, I946L, I259L.
Identifiers: ClinVar variation 1997395 (VCV001997395.4), dbSNP rs878853723, ClinGen allele CA346755722.

ClinVar aggregate classification (germline): Uncertain significance (1 of 4 stars; one submission).

Conditions:
Hereditary nonpolyposis colorectal neoplasms. Identifiers: MedGen C0009405, MeSH D003123.

Submission:

Labcorp Genetics (formerly Invitae), Labcorp
Classification: Uncertain significance for Hereditary nonpolyposis colorectal neoplasms. Last evaluated: 2022-05-21. Review status: criteria provided, single submitter. Criteria: Invitae Variant Classification Sherloc (09022015). Collection method: clinical testing. Allele origin: germline.
Comment: In summary, the available evidence is currently insufficient to determine the role of this variant in disease. Therefore, it has been classified as a Variant of Uncertain Significance. Algorithms developed to predict the effect of missense changes on protein structure and function are either unavailable or do not agree on the potential impact of this missense change (SIFT: "Deleterious"; PolyPhen-2: "Probably Damaging"; Align-GVGD: "Class C0"). This variant has not been reported in the literature in individuals affected with MSH6-related conditions. This variant is not present in population databases (gnomAD no frequency). This sequence change replaces isoleucine, which is neutral and non-polar, with leucine, which is neutral and non-polar, at codon 944 of the MSH6 protein (p.Ile944Leu).